The following is an entry in ClinVar:

ClinVar aggregate classification (germline): Conflicting classifications of pathogenicity. Review status: criteria provided, conflicting classifications (1 of 4 stars). 8 submissions from 8 submitters: Uncertain significance (2); Benign (2); Likely benign (3). 1 of the submissions does not count toward it. Last evaluated 2026-08-01.

Conditions:
COL6A3-related disorder. Also called: COL6A3-related condition; COL6A3-related disorders.
Muscular dystrophy. Identifiers: Orphanet 98473, MedGen C0026850, MeSH D009136, MONDO:0020121, HP:0003560.
Collagen 6-related myopathy. Identifiers: MedGen CN117976, MONDO:0100225.
Bethlem myopathy 1A. Also called: Bethlem Muscular Dystrophy; MYOPATHY, BENIGN CONGENITAL, WITH CONTRACTURES; Bethlem myopathy 1. Identifiers: Orphanet 610, MedGen CN029274, MONDO:0024530, OMIM 158810.

Allele frequency attached by ClinVar (database versions not stated): ESP Exome Variant Server 0.00015; 1000 Genomes Project 30x 0.00031; TOPMed 0.00034; gnomAD 0.00037 and 0.00040; gnomAD exomes 0.00039 and 0.00045; 1000 Genomes Project 0.00040; ExAC 0.00052.

Submissions (8):

CeGaT Center for Human Genetics Tuebingen
Classification: Likely benign. Last evaluated: 2026-08-01. Review status: criteria provided, single submitter. Criteria: CeGaT Center For Human Genetics Tuebingen Variant Classification Criteria Version 2. Collection method: clinical testing. Allele origin: germline. Affected: yes. Observed: 5 variant alleles.
Comment: COL6A3: BP4

Labcorp Genetics (formerly Invitae), Labcorp
Classification: Uncertain significance for Bethlem myopathy 1A. Last evaluated: 2026-01-20. Review status: criteria provided, single submitter. Criteria: Invitae Variant Classification Sherloc (09022015). Collection method: clinical testing. Allele origin: germline.
Comment: This sequence change falls in intron 12 of the COL6A3 gene. It does not directly change the encoded amino acid sequence of the COL6A3 protein. It affects a nucleotide within the consensus splice site. This variant is present in population databases (rs112825341, gnomAD 0.06%). This variant has been observed in individual(s) with clinical features of limb-girdle muscular dystrophy (PMID: 30564623). ClinVar contains an entry for this variant (Variation ID: 282789). Variants that disrupt the consensus splice site are a relatively common cause of aberrant splicing (PMID: 17576681, 9536098). Algorithms developed to predict the effect of sequence changes on RNA splicing suggest that this variant is not likely to affect RNA splicing. In summary, the available evidence is currently insufficient to determine the role of this variant in disease. Therefore, it has been classified as a Variant of Uncertain Significance.

Revvity Omics, Revvity
Classification: Likely benign. Last evaluated: 2025-05-13. Review status: criteria provided, single submitter. Criteria: ACMG Guidelines, 2015. Collection method: clinical testing. Allele origin: germline.

James R Lupski Laboratory, Baylor College Of Medicine
Classification: Benign for Muscular Dystrophy. Last evaluated: 2019-07-01. Review status: criteria provided, single submitter. Criteria: ACMG Guidelines, 2015. Collection method: research. Allele origin: germline. Inheritance: Autosomal recessive inheritance. Affected: yes. Observed: 1 homozygote.

GeneDx
Classification: Likely benign. Last evaluated: 2018-05-07. Review status: criteria provided, single submitter. Criteria: GeneDx Variant Classification Process June 2021. Collection method: clinical testing. Allele origin: germline. Affected: yes.
Comment: This variant is associated with the following publications: (PMID: 30564623, 26004199)

Eurofins Ntd Llc (ga)
Classification: Uncertain significance. Last evaluated: 2018-03-01. Review status: criteria provided, single submitter. Criteria: EGL ClinVar v180209 classification definitions. Collection method: clinical testing. Allele origin: germline. Observed: 7 variant alleles, 7 heterozygotes.

Illumina Laboratory Services, Illumina
Classification: Benign for Collagen VI-related myopathy. Last evaluated: 2018-01-13. Review status: criteria provided, single submitter. Criteria: ICSL Variant Classification Criteria 13 December 2019. Collection method: clinical testing. Allele origin: germline.
Comment: This variant was observed in the ICSL laboratory as part of a predisposition screen in an ostensibly healthy population. It had not been previously curated by ICSL or reported in the Human Gene Mutation Database (HGMD: prior to June 1st, 2018), and was therefore a candidate for classification through an automated scoring system. Utilizing variant allele frequency, disease prevalence and penetrance estimates, and inheritance mode, an automated score was calculated to assess if this variant is too frequent to cause the disease. Based on the score and internal cut-off values, a variant classified as benign is not then subjected to further curation. The score for this variant resulted in a classification of benign for this disease.

PreventionGenetics, part of Exact Sciences
Classification: Likely benign for COL6A3-related condition. Last evaluated: 2020-02-26. Review status: no assertion criteria provided. Collection method: clinical testing. Allele origin: germline. Not counted in ClinVar's aggregate classification.
Comment: This variant is classified as likely benign based on ACMG/AMP sequence variant interpretation guidelines (Richards et al. 2015 PMID: 25741868, with internal and published modifications).

Literature cited by the submitters: PubMed 30564623 (cited by Labcorp Genetics (formerly Invitae), Labcorp); PubMed 17576681 (cited by Labcorp Genetics (formerly Invitae), Labcorp); PubMed 9536098 (cited by Labcorp Genetics (formerly Invitae), Labcorp).

NM_004369.4(COL6A3):c.5839-3C>T

Gene: COL6A3 (collagen type VI alpha 3 chain; minus strand). Cytogenetic location: 2q37.3.
Variant type: single nucleotide variant.
Coding change: c.5839-3C>T on transcript NM_004369.4 (MANE Select); 3 bases into the intron before coding-DNA position 5839, C replaced by T.
Molecular consequence: intron variant.
Genome position (GRCh38, 1-based): chr2:237,364,431, G>A on the plus strand (C>T on the coding strand, the complement: COL6A3 is on the minus strand). VCF-style: chr2-237364431-G-A. GRCh37 (hg19) VCF-style: chr2-238273074-G-A.
Other names: c.4018-3C>T (NM_057166.5); c.5221-3C>T (NM_057167.4).
Identifiers: ClinVar variation 282789 (VCV000282789.55), dbSNP rs112825341, ClinGen allele CA2188551.